The following is an entry in ClinVar:

NM_001330260.2(SCN8A):c.1393G>A (p.Glu465Lys)

Gene: SCN8A (sodium voltage-gated channel alpha subunit 8; plus strand). Cytogenetic location: 12q13.13.
Variant type: single nucleotide variant.
Coding change: c.1393G>A on transcript NM_001330260.2 (MANE Select); coding-DNA position 1393, G replaced by A.
Protein change: p.Glu465Lys; replaces glutamic acid 465 with lysine.
Molecular consequence: missense variant.
Genome position (GRCh38, 1-based): chr12:51,706,473, G>A. VCF-style: chr12-51706473-G-A. GRCh37 (hg19) VCF-style: chr12-52100257-G-A.
Other names: c.1393G>A, p.Glu465Lys (NM_001177984.3, NM_001369788.1, NM_014191.4); short protein forms E465K.
Identifiers: ClinVar variation 2724322 (VCV002724322.3), dbSNP rs866117094, ClinGen allele CA236264000.
Genomic context (GRCh38, chr12:51,706,473, plus strand): 5'-CTTTCCTAGGCTGCTGCGATGGCCACTTCAGCAGGAACTGTCTCAGAAGATGCCATAGAG[G>A]AAGAAGGTGAAGAAGGAGGGGGCTCCCCTCGGAGCTCTTCTGAAATCTCTAAACTCAGCT-3'
Protein context (NP_001317189.1, residues 455-475): AGTVSEDAIE[Glu465Lys]EGEEGGGSPR

ClinVar aggregate classification (germline): Uncertain significance (1 of 4 stars; one submission).

Conditions:
Early-infantile DEE. Also called: Early infantile epileptic encephalopathy; Early infantile epileptic encephalopathy with suppression bursts; Ohtahara syndrome. Identifiers: Orphanet 1934, MedGen C0393706, MONDO:0800491.

Allele frequency attached by ClinVar (database versions not stated): gnomAD exomes below 0.00001.
gnomAD v4.1: 1 of 1,604,932 alleles (0.000062%); highest among the groups gnomAD compares: Non-Finnish European, 0.000085%; no homozygotes.

Submission:

Labcorp Genetics (formerly Invitae), Labcorp
Classification: Uncertain significance for Early-infantile DEE. Last evaluated: 2023-07-25. Review status: criteria provided, single submitter. Criteria: Invitae Variant Classification Sherloc (09022015). Collection method: clinical testing. Allele origin: germline.
Comment: This sequence change replaces glutamic acid, which is acidic and polar, with lysine, which is basic and polar, at codon 465 of the SCN8A protein (p.Glu465Lys). This variant is not present in population databases (gnomAD no frequency). In summary, the available evidence is currently insufficient to determine the role of this variant in disease. Therefore, it has been classified as a Variant of Uncertain Significance. Advanced modeling of protein sequence and biophysical properties (such as structural, functional, and spatial information, amino acid conservation, physicochemical variation, residue mobility, and thermodynamic stability) performed at Invitae indicates that this missense variant is not expected to disrupt SCN8A protein function. This variant has not been reported in the literature in individuals affected with SCN8A-related conditions.